The following is an entry in ClinVar:

NM_001384950.1(NLRC5):c.2712-121G>C

Gene: NLRC5 (NLR family CARD domain containing 5; plus strand). Cytogenetic location: 16q13.
Variant type: single nucleotide variant.
Coding change: c.2712-121G>C on transcript NM_001384950.1 (MANE Select); 121 bases into the intron before coding-DNA position 2712, G replaced by C.
Molecular consequence: intron variant.
Genome position (GRCh38, 1-based): chr16:57,037,074, G>C. VCF-style: chr16-57037074-G-C. GRCh37 (hg19) VCF-style: chr16-57070986-G-C.
Other names: c.2712-121G>C (NM_001384954.1, NM_001384953.1, NM_001384957.1 and 19 more transcripts); c.2628-121G>C (NM_001384960.1, NM_001384965.1); c.2541-121G>C (NM_001384972.1).
Identifiers: ClinVar variation 103164 (VCV000103164.2), dbSNP rs199475983, ClinGen allele CA230208.
Genomic context (GRCh38, chr16:57,037,074, plus strand): 5'-GTGTCATGCATTTTTTGGCTTACTCACACGCACCAGAATCCTTTGAGATCCCCTGGCAAG[G>C]GACCTAGGACATCCAGGAGTGACAGCCAGCAAGCTGCTGAGCCACAGGGAGGGGCTAGAG-3'

ClinVar aggregate classification (germline): not provided (0 of 4 stars; one submission).

Allele frequency attached by ClinVar (database versions not stated): gnomAD 0.00001.
gnomAD v4.1: 2 of 814,502 alleles (0.00025%); highest among the groups gnomAD compares: African/African-American, 0.0033%; no homozygotes.

Submission:

Human Evolutionary Genetics, Institut Pasteur
No classification provided. Review status: no classification provided. Collection method: not provided. Allele origin: germline.
ClinVar note: Converted during submission from untested to not provided.